The following is an entry in ClinVar:

NC_000003.12:g.169765017C>A

Genes: TERC (telomerase RNA component; minus strand), LOC110806306 (telomerase RNA component (TERC) promoter; plus strand). Cytogenetic location: 3q26.2.
Variant type: single nucleotide variant.
Genome position: GRCh38 VCF-style: chr3-169765017-C-A. GRCh37 (hg19) VCF-style: chr3-169482805-C-A.
Identifiers: ClinVar variation 2077265 (VCV002077265.4), dbSNP rs763886920, ClinGen allele CA436715968.

ClinVar aggregate classification (germline): Uncertain significance (1 of 4 stars; one submission).

Conditions:
Dyskeratosis congenita, autosomal dominant 1 (DKCA1). Also called: Dyskeratosis congenita Scoggins type. Identifiers: Orphanet 1775, MedGen C4551974, MONDO:0007485, OMIM 127550. Inheritance: Variable.

gnomAD v4.1: 3 of 765,320 alleles (0.00039%); highest among the groups gnomAD compares: Non-Finnish European, 0.00048%; no homozygotes.

Submission:

Labcorp Genetics (formerly Invitae), Labcorp
Classification: Uncertain significance for Dyskeratosis congenita, autosomal dominant 1. Last evaluated: 2022-08-23. Review status: criteria provided, single submitter. Criteria: Invitae Variant Classification Sherloc (09022015). Collection method: clinical testing. Allele origin: germline.
Comment: This variant has not been reported in the literature in individuals affected with TERC-related conditions. This variant is not present in population databases (gnomAD no frequency). This variant occurs in the TERC gene, which encodes an RNA molecule that does not result in a protein product. In summary, the available evidence is currently insufficient to determine the role of this variant in disease. Therefore, it has been classified as a Variant of Uncertain Significance. This variant is located in a region of TERC in which a significant number of disease causing variants have been reported (PMID: 15082312, 21844345, 21931702). These observations suggest that this may be a clinically significant region. This variant is located within the template/pseudoknot domain of the TERC RNA component, which is required for RNA or RNP stability (PMID: 15082312, 21844345).

Literature cited by the submitters: PubMed 15082312; PubMed 21844345; PubMed 21931702.